The following is an entry in ClinVar:

NM_000531.6(OTC):c.485G>T (p.Gly162Val)

Gene: OTC (ornithine transcarbamylase; plus strand). Cytogenetic location: Xp11.4.
Variant type: single nucleotide variant.
Coding change: c.485G>T on transcript NM_000531.6 (MANE Select); coding-DNA position 485, G replaced by T.
Protein change: p.Gly162Val; replaces glycine 162 with valine.
Molecular consequence: missense variant.
Genome position (GRCh38, 1-based): chrX:38,401,373, G>T. VCF-style: chrX-38401373-G-T. GRCh37 (hg19) VCF-style: chrX-38260626-G-T.
Other names: short protein forms G162V.
Identifiers: ClinVar variation 862420 (VCV000862420.10), dbSNP rs72556272, ClinGen allele CA412723636.

ClinVar aggregate classification (germline): Likely pathogenic (1 of 4 stars; one submission).

Conditions:
Ornithine carbamoyltransferase deficiency (OTCD). Also called: ORNITHINE TRANSCARBAMYLASE DEFICIENCY; ORNITHINE TRANSCARBAMYLASE DEFICIENCY, HYPERAMMONEMIA DUE TO; OTC DEFICIENCY; Ornithine Carbamoyltransferase Deficiency Disease. Identifiers: Orphanet 664, MedGen C0268542, MONDO:0010703, OMIM 311250.

Submission:

Labcorp Genetics (formerly Invitae), Labcorp
Classification: Likely pathogenic for Ornithine carbamoyltransferase deficiency. Last evaluated: 2023-03-23. Review status: criteria provided, single submitter. Criteria: Invitae Variant Classification Sherloc (09022015). Collection method: clinical testing. Allele origin: germline.
Comment: In summary, the currently available evidence indicates that the variant is pathogenic, but additional data are needed to prove that conclusively. Therefore, this variant has been classified as Likely Pathogenic. This variant disrupts the p.Gly162 amino acid residue in OTC. Other variant(s) that disrupt this residue have been determined to be pathogenic (PMID: 1353535, 16786505; Invitae). This suggests that this residue is clinically significant, and that variants that disrupt this residue are likely to be disease-causing. Advanced modeling of protein sequence and biophysical properties (such as structural, functional, and spatial information, amino acid conservation, physicochemical variation, residue mobility, and thermodynamic stability) performed at Invitae indicates that this missense variant is expected to disrupt OTC protein function. ClinVar contains an entry for this variant (Variation ID: 862420). This missense change has been observed in individual(s) with clinical features of ornithine transcarbamylase deficiency (Invitae). This variant is not present in population databases (gnomAD no frequency). This sequence change replaces glycine, which is neutral and non-polar, with valine, which is neutral and non-polar, at codon 162 of the OTC protein (p.Gly162Val).

Literature cited by the submitters: PubMed 1353535; PubMed 16786505.